The following is an entry in ClinVar:

NM_005450.6(NOG):c.104C>G (p.Pro35Arg)

Gene: NOG (noggin; plus strand). Cytogenetic location: 17q22.
Variant type: single nucleotide variant.
Coding change: c.104C>G on transcript NM_005450.6 (MANE Select); coding-DNA position 104, C replaced by G.
Protein change: p.Pro35Arg; replaces proline 35 with arginine.
Molecular consequence: missense variant.
Genome position (GRCh38, 1-based): chr17:56,594,327, C>G. VCF-style: chr17-56594327-C-G. GRCh37 (hg19) VCF-style: chr17-54671688-C-G.
Other names: short protein forms P35R.
Identifiers: ClinVar variation 6697 (VCV000006697.7), dbSNP rs104894611, ClinGen allele CA118431.

ClinVar aggregate classification (germline): Pathogenic/Likely pathogenic. Review status: criteria provided, multiple submitters, no conflicts (2 of 4 stars). 5 submissions from 4 submitters: Pathogenic (2); Likely pathogenic (1). 2 of the submissions do not count toward it. Last evaluated 2023-11-06.

Conditions:
Tarsal-carpal coalition syndrome. Identifiers: Orphanet 1412, MedGen C1861305, MONDO:0008521, OMIM 186570.
Proximal symphalangism 1A. Also called: CUSHING SYMPHALANGISM; HEREDITARY ABSENCE OF THE PROXIMAL INTERPHALANGEAL JOINTS. Identifiers: Orphanet 3250, MedGen C3714899, MONDO:0020733, OMIM 185800.

Submissions (5):

Institute of Medical Genetics and Applied Genomics, University Hospital Tübingen
Classification: Pathogenic for Proximal symphalangism 1A. Last evaluated: 2023-11-06. Review status: criteria provided, single submitter. Criteria: ACMG Guidelines, 2015. Collection method: clinical testing. Allele origin: germline. Inheritance: Autosomal dominant inheritance. Affected: yes.

Labcorp Genetics (formerly Invitae), Labcorp
Classification: Pathogenic. Last evaluated: 2022-04-13. Review status: criteria provided, single submitter. Criteria: Invitae Variant Classification Sherloc (09022015). Collection method: clinical testing. Allele origin: germline.
Comment: This sequence change replaces proline, which is neutral and non-polar, with arginine, which is basic and polar, at codon 35 of the NOG protein (p.Pro35Arg). This variant is not present in population databases (gnomAD no frequency). For these reasons, this variant has been classified as Pathogenic. Experimental studies have shown that this missense change affects NOG function (PMID: 17668388). Algorithms developed to predict the effect of missense changes on protein structure and function (SIFT, PolyPhen-2, Align-GVGD) all suggest that this variant is likely to be disruptive. ClinVar contains an entry for this variant (Variation ID: 6697). This missense change has been observed in individual(s) with NOG-related symphalangism spectrum disorder (PMID: 10080184, 11545688). In at least one individual the variant was observed to be de novo. It has also been observed to segregate with disease in related individuals.

Juno Genomics, Hangzhou Juno Genomics, Inc
Classification: Likely pathogenic for Tarsal-carpal coalition syndrome. Review status: criteria provided, single submitter. Criteria: ACMG Guidelines, 2015. Collection method: clinical testing. Allele origin: germline. Affected: yes.
Comment: Absent from controls (or at extremely low frequency if recessive) in Genome Aggregation Database, Exome Sequencing Project, 1000 Genomes Project, or Exome Aggregation Consortium.;Well-established in vitro or in vivo functional studies supportive of a damaging effect on the gene or gene product.;The prevalence of the variant in affected individuals is significantly increased compared to the prevalence in controls.;Co-segregation with disease in multiple affected family members in a gene definitively known to cause the disease.;Assumed de novo, but without confirmation of paternity and maternity.;Patient's phenotype or family history is highly specific for a disease with a single genetic etiology.

OMIM
Classification: Pathogenic for TARSAL-CARPAL COALITION SYNDROME. Last evaluated: 2001-09-01. Review status: no assertion criteria provided. Collection method: literature only. Allele origin: germline. Not counted in ClinVar's aggregate classification.

OMIM
Classification: Pathogenic for SYMPHALANGISM, PROXIMAL, 1A. Last evaluated: 2001-09-01. Review status: no assertion criteria provided. Collection method: literature only. Allele origin: germline. Not counted in ClinVar's aggregate classification.

Literature cited by the submitters: PubMed 17668388 (cited by Labcorp Genetics (formerly Invitae), Labcorp); PubMed 10080184 (cited by Labcorp Genetics (formerly Invitae), Labcorp and OMIM); PubMed 11545688 (cited by Labcorp Genetics (formerly Invitae), Labcorp and OMIM).